The following is an entry in ClinVar:

ClinVar aggregate classification (germline): Likely pathogenic (1 of 4 stars; one submission).

Submission:

GeneDx
Classification: Likely pathogenic. Last evaluated: 2026-03-21. Review status: criteria provided, single submitter. Criteria: GeneDx Variant Classification Process June 2021. Collection method: clinical testing. Allele origin: germline.
Comment: Canonical splice site variant predicted to result in an in-frame loss of the adjacent exon in a gene for which loss of function is a known mechanism of disease; Not observed at significant frequency in large population cohorts (gnomAD); Has not been previously published as pathogenic or benign to our knowledge

NM_001330288.2(SMARCC2):c.1863+1G>A

Gene: SMARCC2 (SWI/SNF related BAF chromatin remodeling complex subunit C2; minus strand). Cytogenetic location: 12q13.2.
Variant type: single nucleotide variant.
Coding change: c.1863+1G>A on transcript NM_001330288.2 (MANE Select); the canonical splice donor site of the intron after coding-DNA position 1863, G replaced by A.
Molecular consequence: splice donor variant.
Genome position (GRCh38, 1-based): chr12:56,172,584, C>T on the plus strand (G>A on the coding strand, the complement: SMARCC2 is on the minus strand). VCF-style: chr12-56172584-C-T. GRCh37 (hg19) VCF-style: chr12-56566368-C-T.
Other names: c.1770+1G>A (NM_003075.5); c.1863+1G>A (NM_139067.4, NM_001130420.3).
Identifiers: ClinVar variation 5016803 (VCV005016803.1).